The following is an entry in ClinVar:

ClinVar aggregate classification (germline): Uncertain significance (1 of 4 stars; one submission).

Allele frequency attached by ClinVar (database versions not stated): TOPMed below 0.00001; gnomAD exomes 0.00001; gnomAD 0.00003.
gnomAD v4.1: 22 of 1,612,042 alleles (0.0014%); highest among the groups gnomAD compares: African/African-American, 0.0027%; no homozygotes.

Submission:

Ambry Genetics
Classification: Uncertain significance. Last evaluated: 2024-11-16. Review status: criteria provided, single submitter. Criteria: Ambry Variant Classification Scheme 2023. Collection method: clinical testing. Allele origin: germline.
Comment: The p.D160Y variant (also known as c.478G>T), located in coding exon 3 of the IDH1 gene, results from a G to T substitution at nucleotide position 478. The aspartic acid at codon 160 is replaced by tyrosine, an amino acid with highly dissimilar properties. This amino acid position is conserved. In addition, the in silico prediction for this alteration is inconclusive. Since supporting evidence is limited at this time, the clinical significance of this alteration remains unclear.

NM_005896.4(IDH1):c.478G>T (p.Asp160Tyr)

Gene: IDH1 (isocitrate dehydrogenase (NADP(+)) 1; minus strand). Cytogenetic location: 2q34.
Variant type: single nucleotide variant.
Coding change: c.478G>T on transcript NM_005896.4 (MANE Select); coding-DNA position 478, G replaced by T.
Protein change: p.Asp160Tyr; replaces aspartic acid 160 with tyrosine.
Molecular consequence: missense variant.
Genome position (GRCh38, 1-based): chr2:208,245,361, C>A on the plus strand (G>T on the coding strand, the complement: IDH1 is on the minus strand). VCF-style: chr2-208245361-C-A. GRCh37 (hg19) VCF-style: chr2-209110085-C-A.
Other names: c.478G>T, p.Asp160Tyr (NM_001282386.1, NM_001282387.1); short protein forms D160Y.
Identifiers: ClinVar variation 2491873 (VCV002491873.3), dbSNP rs912400006, ClinGen allele CA64586264.